The following is an entry in ClinVar:

NM_001369.3(DNAH5):c.7580_7584delinsTTTCCATCTCCATATTAATAA (p.Thr2527fs)

Gene: DNAH5 (dynein axonemal heavy chain 5; minus strand). Cytogenetic location: 5p15.2.
Variant type: Indel.
Coding change: c.7580_7584delinsTTTCCATCTCCATATTAATAA on transcript NM_001369.3 (MANE Select); coding-DNA positions 7580 to 7584, CCGCC replaced by TTTCCATCTCCATATTAATAA.
Protein change: p.Thr2527fs; shifts the reading frame from threonine 2527.
Molecular consequence: frameshift variant.
Genome position (GRCh38, 1-based): chr5:13,810,084-13,810,088, GGCGG replaced by TTATTAATATGGAGATGGAAA on the plus strand (CCGCC replaced by TTTCCATCTCCATATTAATAA on the coding strand, the reverse complement: DNAH5 is on the minus strand). VCF-style: chr5-13810084-GGCGG-TTATTAATATGGAGATGGAAA. GRCh37 (hg19) VCF-style: chr5-13810193-GGCGG-TTATTAATATGGAGATGGAAA.
Other names: short protein forms T2527fs.
Identifiers: ClinVar variation 5010433 (VCV005010433.1).

ClinVar aggregate classification (germline): Pathogenic (1 of 4 stars; one submission).

Conditions:
Primary ciliary dyskinesia 3. Identifiers: Orphanet 244, MedGen C1837618, MONDO:0012085, OMIM 608644.

Submission:

Myriad Genetics, Inc.
Classification: Pathogenic for Primary ciliary dyskinesia 3. Last evaluated: 2024-05-14. Review status: criteria provided, single submitter. Criteria: Myriad Autosomal Dominant, Autosomal Recessive and X-Linked Classification Criteria (2023). Collection method: clinical testing. Allele origin: unknown.
Comment: NM_001369.2(DNAH5):c.7580_7584del5ins21(T2527Ifs*33) is expected to be pathogenic in the context of primary ciliary dyskinesia, DNAH5-related. This variant is predicted to lead to an abnormal or absent protein product due to the creation of a premature termination codon in DNAH5, a gene where loss-of-function variants are known to be pathogenic. Please note: this variant was assessed in the context of healthy population screening.